The following is an entry in ClinVar:

ClinVar aggregate classification (germline): Uncertain significance (1 of 4 stars; one submission).

Allele frequency attached by ClinVar (database versions not stated): ExAC 0.00001.
gnomAD v4.1: 2 of 1,614,206 alleles (0.00012%); highest among the groups gnomAD compares: South Asian, 0.0022%; no homozygotes.

Submission:

Labcorp Genetics (formerly Invitae), Labcorp
Classification: Uncertain significance. Last evaluated: 2022-05-10. Review status: criteria provided, single submitter. Criteria: Invitae Variant Classification Sherloc (09022015). Collection method: clinical testing. Allele origin: germline.
Comment: In summary, the available evidence is currently insufficient to determine the role of this variant in disease. Therefore, it has been classified as a Variant of Uncertain Significance. Algorithms developed to predict the effect of missense changes on protein structure and function are either unavailable or do not agree on the potential impact of this missense change (SIFT: "Deleterious"; PolyPhen-2: "Not Available"; Align-GVGD: "Class C65"). This variant has not been reported in the literature in individuals affected with CIB1-related conditions. This variant is present in population databases (rs764955332, gnomAD 0.006%). This sequence change replaces serine, which is neutral and polar, with arginine, which is basic and polar, at codon 136 of the CIB1 protein (p.Ser136Arg).

NM_006384.4(CIB1):c.286A>C (p.Ser96Arg)

Gene: CIB1 (calcium and integrin binding 1; minus strand). Cytogenetic location: 15q26.1.
Variant type: single nucleotide variant.
Coding change: c.286A>C on transcript NM_006384.4 (MANE Select); coding-DNA position 286, A replaced by C.
Protein change: p.Ser96Arg; replaces serine 96 with arginine.
Molecular consequence: missense variant. On other transcripts: non-coding transcript variant (2).
Genome position (GRCh38, 1-based): chr15:90,231,417, T>G on the plus strand (A>C on the coding strand, the complement: CIB1 is on the minus strand). VCF-style: chr15-90231417-T-G. GRCh37 (hg19) VCF-style: chr15-90774649-T-G.
Other names: c.406A>C, p.Ser136Arg (NM_001277764.2); short protein forms S136R, S96R.
Identifiers: ClinVar variation 1992627 (VCV001992627.4), dbSNP rs764955332, ClinGen allele CA7734249.
Genomic context (GRCh38, chr15:90,231,417, plus strand): 5'-CAAAGATGCGGAAGGCATAATGGGACTTGATGTCTGGCGTGGCTGTGTCACTGAACACAC[T>G]GAGGAGATCCAGGAAGTCCTCAAAGCTAAGGCTGTCTTTGGCTGGGGATGTGGAGAAGAC-3'
Protein context (NP_006375.2, residues 86-106): LSFEDFLDLL[Ser96Arg]VFSDTATPDI